The following is an entry in ClinVar:

NM_000398.7(CYB5R3):c.116C>T (p.Pro39Leu)

Gene: CYB5R3 (cytochrome b5 reductase 3; minus strand). Cytogenetic location: 22q13.2.
Variant type: single nucleotide variant.
Coding change: c.116C>T on transcript NM_000398.7 (MANE Select); coding-DNA position 116, C replaced by T.
Protein change: p.Pro39Leu; replaces proline 39 with leucine.
Molecular consequence: missense variant.
Genome position (GRCh38, 1-based): chr22:42,636,752, G>A on the plus strand (C>T on the coding strand, the complement: CYB5R3 is on the minus strand). VCF-style: chr22-42636752-G-A. GRCh37 (hg19) VCF-style: chr22-43032758-G-A.
Other names: c.47C>T, p.Pro16Leu (NM_001129819.2, NM_001171661.1, NM_007326.4); c.215C>T, p.Pro72Leu (NM_001171660.2); short protein forms P72L, P39L, P16L.
Identifiers: ClinVar variation 3498927 (VCV003498927.2).

ClinVar aggregate classification (germline): Uncertain significance. Review status: criteria provided, multiple submitters, no conflicts (2 of 4 stars). 2 submissions from 2 submitters: Uncertain significance (2). Last evaluated 2024-07-27.

Conditions:
Inborn genetic diseases. Identifiers: MedGen C0950123, MeSH D030342.

Submissions (2):

Ambry Genetics
Classification: Uncertain significance for Inborn genetic diseases. Last evaluated: 2024-07-27. Review status: criteria provided, single submitter. Criteria: Ambry Variant Classification Scheme 2023. Collection method: clinical testing. Allele origin: germline.

Labcorp Genetics (formerly Invitae), Labcorp
Classification: Uncertain significance. Last evaluated: 2024-06-19. Review status: criteria provided, single submitter. Criteria: Invitae Variant Classification Sherloc (09022015). Collection method: clinical testing. Allele origin: germline.
Comment: This sequence change replaces proline, which is neutral and non-polar, with leucine, which is neutral and non-polar, at codon 39 of the CYB5R3 protein (p.Pro39Leu). This variant is present in population databases (rs371323516, gnomAD 0.004%). This variant has not been reported in the literature in individuals affected with CYB5R3-related conditions. An algorithm developed to predict the effect of missense changes on protein structure and function (PolyPhen-2) suggests that this variant¬†is likely to be tolerated. In summary, the available evidence is currently insufficient to determine the role of this variant in disease. Therefore, it has been classified as a Variant of Uncertain Significance.